The following is an entry in ClinVar:

NM_000069.3(CACNA1S):c.3904C>T (p.Arg1302Trp)

Gene: CACNA1S (calcium voltage-gated channel subunit alpha1 S; minus strand). Cytogenetic location: 1q32.1.
Variant type: single nucleotide variant.
Coding change: c.3904C>T on transcript NM_000069.3 (MANE Select); coding-DNA position 3904, C replaced by T.
Protein change: p.Arg1302Trp; replaces arginine 1302 with tryptophan.
Molecular consequence: missense variant.
Genome position (GRCh38, 1-based): chr1:201,052,606, G>A on the plus strand (C>T on the coding strand, the complement: CACNA1S is on the minus strand). VCF-style: chr1-201052606-G-A. GRCh37 (hg19) VCF-style: chr1-201021734-G-A.
Other names: short protein forms R1302W.
Identifiers: ClinVar variation 294725 (VCV000294725.12), dbSNP rs780390034, ClinGen allele CA082928.

ClinVar aggregate classification (germline): Conflicting classifications of pathogenicity. Review status: criteria provided, conflicting classifications (1 of 4 stars). 4 submissions from 4 submitters: Uncertain significance (3); Likely benign (1). Last evaluated 2025-12-22.

Conditions:
Hypokalemic periodic paralysis, type 1. Also called: Hypokalemic Periodic Paralysis Type 1 (AD); HypoPP. Identifiers: Orphanet 681, MedGen C3714580, MONDO:0042979, OMIM 170400.
Malignant hyperthermia, susceptibility to, 5 (MHS5). Also called: CACNA1S-Related Malignant Hyperthermia Susceptibility. Identifiers: Orphanet 423, MedGen C1866077, MONDO:0011163, OMIM 601887.

Allele frequency attached by ClinVar (database versions not stated): TOPMed 0.00007; gnomAD 0.00009; gnomAD exomes 0.00011; ExAC 0.00012.
gnomAD v4.1: 178 of 1,613,820 alleles (0.011%); highest among the groups gnomAD compares: Middle Eastern, 0.099%; no homozygotes.

Submissions (4):

Labcorp Genetics (formerly Invitae), Labcorp
Classification: Uncertain significance for Hypokalemic periodic paralysis, type 1; Malignant hyperthermia, susceptibility to, 5. Last evaluated: 2025-12-22. Review status: criteria provided, single submitter. Criteria: Invitae Variant Classification Sherloc (09022015). Collection method: clinical testing. Allele origin: germline.
Comment: This sequence change replaces arginine, which is basic and polar, with tryptophan, which is neutral and slightly polar, at codon 1302 of the CACNA1S protein (p.Arg1302Trp). This variant is present in population databases (rs780390034, gnomAD 0.02%). This missense change has been observed in individual(s) with clinical features of CACNA1S-related conditions (PMID: 37510298). ClinVar contains an entry for this variant (Variation ID: 294725). Invitae Evidence Modeling of protein sequence and biophysical properties (such as structural, functional, and spatial information, amino acid conservation, physicochemical variation, residue mobility, and thermodynamic stability) has been performed for this missense variant. However, the output from this modeling did not meet the statistical confidence thresholds required to predict the impact of this variant on CACNA1S protein function. In summary, the available evidence is currently insufficient to determine the role of this variant in disease. Therefore, it has been classified as a Variant of Uncertain Significance.

Color Diagnostics, LLC DBA Color Health
Classification: Uncertain significance for Malignant hyperthermia, susceptibility to, 5. Last evaluated: 2024-05-22. Review status: criteria provided, single submitter. Criteria: ACMG Guidelines, 2015. Collection method: clinical testing. Allele origin: germline.
Comment: This missense variant replaces arginine with tryptophan at codon 1302 of the CACNA1S protein. Computational prediction suggests that this variant may have deleterious impact on protein structure and function. To our knowledge, functional studies have not been reported for this variant. This variant has not been reported in individuals affected with CACNA1S-related disorders in the literature. This variant has been identified in 32/282842 chromosomes in the general population by the Genome Aggregation Database (gnomAD). The available evidence is insufficient to determine the role of this variant in disease conclusively. Therefore, this variant is classified as a Variant of Uncertain Significance.

GeneDx
Classification: Uncertain significance. Last evaluated: 2022-06-29. Review status: criteria provided, single submitter. Criteria: GeneDx Variant Classification Process June 2021. Collection method: clinical testing. Allele origin: germline. Affected: yes.
Comment: Reported as a germline variant in a non-smoking individual with early-onset lung adenocardinoma (Donner et al., 2018); In silico analysis supports that this missense variant has a deleterious effect on protein structure/function; This variant is associated with the following publications: (PMID: 30032850)

Illumina Laboratory Services, Illumina
Classification: Likely benign for Hypokalemic periodic paralysis, type 1. Last evaluated: 2018-01-12. Review status: criteria provided, single submitter. Criteria: ICSL Variant Classification Criteria 13 December 2019. Collection method: clinical testing. Allele origin: germline.
Comment: This variant was observed in the ICSL laboratory as part of a predisposition screen in an ostensibly healthy population. It had not been previously curated by ICSL or reported in the Human Gene Mutation Database (HGMD: prior to June 1st, 2018), and was therefore a candidate for classification through an automated scoring system. Utilizing variant allele frequency, disease prevalence and penetrance estimates, and inheritance mode, an automated score was calculated to assess if this variant is too frequent to cause the disease. Based on the score and internal cut-off values, a variant classified as likely benign is not then subjected to further curation. The score for this variant resulted in a classification of likely benign for this disease.

Literature cited by the submitters: PubMed 37510298 (cited by Labcorp Genetics (formerly Invitae), Labcorp).